The following is an entry in ClinVar:

NM_138694.4(PKHD1):c.8124del (p.Val2709fs)

Gene: PKHD1 (PKHD1 ciliary IPT domain containing fibrocystin/polyductin; minus strand). Cytogenetic location: 6p12.2.
Variant type: Deletion.
Coding change: c.8124del on transcript NM_138694.4 (MANE Select); coding-DNA position 8124, one base deleted (A; older notation c.8124delA).
Protein change: p.Val2709fs; shifts the reading frame from valine 2709.
Molecular consequence: frameshift variant.
Genome position (GRCh38, 1-based): chr6:51,836,453, T deleted on the plus strand (A on the coding strand, the reverse complement: PKHD1 is on the minus strand); the first of 2 consecutive T bases (chr6:51,836,453-51,836,454); deleting either gives the same sequence. VCF-style (leftmost placement, unchanged base first): chr6-51836452-CT-C. GRCh37 (hg19) VCF-style: chr6-51701250-CT-C.
Other names: c.8124del, p.Val2709fs (NM_170724.3); short protein forms V2709fs.
Identifiers: ClinVar variation 4816760 (VCV004816760.1).

ClinVar aggregate classification (germline): Likely pathogenic (1 of 4 stars; one submission).

Conditions:
Autosomal recessive polycystic kidney disease (ARPKD). Also called: AR polycystic kidney disease. Identifiers: Orphanet 731, Orphanet 8378, MedGen C0085548, MeSH D017044, MONDO:0009889.

Submission:

Natera, Inc.
Classification: Likely pathogenic for Autosomal recessive polycystic kidney disease. Last evaluated: 2024-07-01. Review status: criteria provided, single submitter. Criteria: Natera Variant Classification Schema (03/2026). Collection method: clinical testing. Allele origin: germline.
Comment: The c.8124del variant in PKHD1 is a frameshift variant predicted to shift the reading frame beginning at codon 2709 and leads to a stop codon 7 codons downstream. This variant is expected to result in nonsense mediated decay, truncation, or a dysfunctional protein product. This variant is rare in the general population with a frequency below the threshold expected for the associated phenotype(s). Given the available evidence, this variant is classified as Likely Pathogenic.